The following is an entry in ClinVar:

ClinVar aggregate classification (germline): Likely benign. Review status: criteria provided, multiple submitters, no conflicts (2 of 4 stars). 2 submissions from 2 submitters: Likely benign (2). Last evaluated 2025-07-30.

Conditions:
Familial thoracic aortic aneurysm and aortic dissection (TAAD). Also called: Thoracic aortic aneurysms and dissections. Identifiers: Orphanet 91387, MedGen C4707243, MONDO:0019625.
Marfan syndrome (MFS). Also called: MARFAN SYNDROME, TYPE I; Marfan syndrome type 1; Marfan's syndrome; Marfan syndrome, classic; FBN1-Related Marfan Syndrome. Identifiers: Orphanet 284963, Orphanet 558, MedGen C0024796, MONDO:0007947, OMIM 154700.

Submissions (2):

Ambry Genetics
Classification: Likely benign for Familial thoracic aortic aneurysm and aortic dissection. Last evaluated: 2025-07-30. Review status: criteria provided, single submitter. Criteria: Ambry Variant Classification Scheme 2023. Collection method: clinical testing. Allele origin: germline.

All of Us Research Program, National Institutes of Health
Classification: Likely benign for Marfan syndrome. Last evaluated: 2023-06-26. Review status: criteria provided, single submitter. Criteria: ACMG Guidelines, 2015. Collection method: clinical testing. Allele origin: germline. Inheritance: Autosomal dominant inheritance. Observed: 1 variant allele, 1 heterozygote.
Comment: This study involves interpretation of variants in research participants for the purpose of population health screening. Participant phenotype was not available at the time of variant classification. Additional details can be found in publication PMID: 35346344, PMCID: PMC8962531

NM_000138.5(FBN1):c.1155C>T (p.Phe385=)

Gene: FBN1 (fibrillin 1; minus strand). Cytogenetic location: 15q21.1.
Variant type: single nucleotide variant.
Coding change: c.1155C>T on transcript NM_000138.5 (MANE Select); coding-DNA position 1155, C replaced by T.
Protein change: p.Phe385=; no amino-acid change (phenylalanine 385 retained).
Molecular consequence: synonymous variant.
Genome position (GRCh38, 1-based): chr15:48,516,355, G>A on the plus strand (C>T on the coding strand, the complement: FBN1 is on the minus strand). VCF-style: chr15-48516355-G-A. GRCh37 (hg19) VCF-style: chr15-48808552-G-A.
Other names: c.1155C>T, p.Phe385= (NM_001406716.1).
Identifiers: ClinVar variation 3072232 (VCV003072232.2), dbSNP rs2505620006, ClinGen allele CA490028452.